The following is an entry in ClinVar:

ClinVar aggregate classification (germline): Pathogenic/Likely pathogenic. Review status: criteria provided, multiple submitters, no conflicts (2 of 4 stars). 2 submissions from 2 submitters: Pathogenic (1); Likely pathogenic (1). Last evaluated 2024-04-01.

Conditions:
Osteogenesis imperfecta type 7 (OI7). Also called: OI type 7; OI type VII; OSTEOGENESIS IMPERFECTA, TYPE IIB; Osteogenesis imperfecta type 2B; OI type 2B; Osteogenesis imperfecta, perinatal lethal autosomal recessive. Identifiers: MedGen C1853162, MONDO:0012536, OMIM 610682.

Submissions (2):

Fulgent Genetics
Classification: Likely pathogenic for Osteogenesis imperfecta type 7. Last evaluated: 2024-04-01. Review status: criteria provided, single submitter. Criteria: ACMG Guidelines, 2015. Collection method: clinical testing. Allele origin: germline.

Labcorp Genetics (formerly Invitae), Labcorp
Classification: Pathogenic for Osteogenesis imperfecta type 7. Last evaluated: 2023-10-17. Review status: criteria provided, single submitter. Criteria: Invitae Variant Classification Sherloc (09022015). Collection method: clinical testing. Allele origin: germline.
Comment: This sequence change creates a premature translational stop signal (p.Leu244Argfs*34) in the CRTAP gene. It is expected to result in an absent or disrupted protein product. Loss-of-function variants in CRTAP are known to be pathogenic (PMID: 17055431, 19862557, 24715559). This variant is present in population databases (rs760337365, gnomAD 0.002%). This variant has not been reported in the literature in individuals affected with CRTAP-related conditions. For these reasons, this variant has been classified as Pathogenic.

Literature cited by the submitters: PubMed 17055431 (cited by Labcorp Genetics (formerly Invitae), Labcorp); PubMed 19862557 (cited by Labcorp Genetics (formerly Invitae), Labcorp); PubMed 24715559 (cited by Labcorp Genetics (formerly Invitae), Labcorp).

NM_006371.5(CRTAP):c.731_732del (p.Leu244fs)

Gene: CRTAP (cartilage associated protein; plus strand). Cytogenetic location: 3p22.3.
Variant type: Microsatellite.
Coding change: c.731_732del on transcript NM_006371.5 (MANE Select); coding-DNA positions 731 to 732, 2 bases deleted (TC; older notation c.731_732delTC).
Protein change: p.Leu244fs; shifts the reading frame from leucine 244.
Molecular consequence: frameshift variant.
Genome position (GRCh38, 1-based): chr3:33,124,517-33,124,518, TC deleted; deleting any 2 consecutive bases within chr3:33,124,515-33,124,518 gives the same sequence; the c. name uses the placement nearest the transcript's 3' end. VCF-style (leftmost placement, unchanged base first): chr3-33124514-GTC-G. GRCh37 (hg19) VCF-style: chr3-33166006-GTC-G.
Other names: c.731_732del, p.Leu244fs (NM_001393363.1, NM_001393364.1); c.581_582del, p.Leu194fs (NM_001393365.1); short protein forms L244fs, L194fs.
Identifiers: ClinVar variation 1453839 (VCV001453839.7), dbSNP rs760337365, ClinGen allele CA72706765.